The following is an entry in ClinVar:

ClinVar aggregate classification (germline): Uncertain significance (0 of 4 stars; one submission).

Conditions:
INSR-related disorder.

Submission:

PreventionGenetics, part of Exact Sciences
Classification: Uncertain significance for INSR-related condition. Last evaluated: 2023-11-08. Review status: no assertion criteria provided. Collection method: clinical testing. Allele origin: germline.
Comment: The INSR c.1379A>C variant is predicted to result in the amino acid substitution p.Lys460Thr. To our knowledge, this variant has not been reported in the literature or in a large population database, indicating this variant is rare. At this time, the clinical significance of this variant is uncertain due to the absence of conclusive functional and genetic evidence.

NM_000208.4(INSR):c.1379A>C (p.Lys460Thr)

Gene: INSR (insulin receptor; minus strand). Cytogenetic location: 19p13.2.
Variant type: single nucleotide variant.
Coding change: c.1379A>C on transcript NM_000208.4 (MANE Select); coding-DNA position 1379, A replaced by C.
Protein change: p.Lys460Thr; replaces lysine 460 with threonine.
Molecular consequence: missense variant.
Genome position (GRCh38, 1-based): chr19:7,170,641, T>G on the plus strand (A>C on the coding strand, the complement: INSR is on the minus strand). VCF-style: chr19-7170641-T-G. GRCh37 (hg19) VCF-style: chr19-7170652-T-G.
Other names: c.1379A>C, p.Lys460Thr (NM_001079817.3); short protein forms K460T.
Identifiers: ClinVar variation 3029194 (VCV003029194.2), dbSNP rs2512367284, ClinGen allele CA403667282.